The following is an entry in ClinVar:

NM_001903.5(CTNNA1):c.2654C>T (p.Ala885Val)

Gene: CTNNA1 (catenin alpha 1; plus strand). Cytogenetic location: 5q31.2.
Variant type: single nucleotide variant.
Coding change: c.2654C>T on transcript NM_001903.5 (MANE Select); coding-DNA position 2654, C replaced by T.
Protein change: p.Ala885Val; replaces alanine 885 with valine.
Molecular consequence: missense variant. On other transcripts: 3 prime UTR variant (5).
Genome position (GRCh38, 1-based): chr5:138,934,022, C>T. VCF-style: chr5-138934022-C-T. GRCh37 (hg19) VCF-style: chr5-138269711-C-T.
Other names: c.*199C>T (NM_001290307.3, NM_001324002.1, NM_001324003.1 and 2 more transcripts); c.2345C>T, p.Ala782Val (NM_001290309.3); c.2285C>T, p.Ala762Val (NM_001290310.3); c.1544C>T, p.Ala515Val (NM_001290312.1, NM_001323987.1, NM_001323988.1 and 12 more transcripts); c.2654C>T, p.Ala885Val (NM_001323982.2, NM_001323983.1, NM_001323984.2); c.2627C>T, p.Ala876Val (NM_001323985.2); c.2561C>T, p.Ala854Val (NM_001323986.2); c.1409C>T, p.Ala470Val (NM_001324001.1); and 3 more; short protein forms A402V, A434V, A470V, A484V, A515V, A762V, A782V, A854V.
Identifiers: ClinVar variation 1058020 (VCV001058020.9), dbSNP rs1766012989, ClinGen allele CA361135700.
Genomic context (GRCh38, chr5:138,934,022, plus strand): 5'-AGAAAAAGCCATTGGTGAAGAGAGAGAAACAGGATGAGACACAGACCAAGATTAAACGGG[C>T]ATCTCAGAAGAAGCACGTGAACCCGGTGCAGGCCCTCAGCGAGTTCAAAGCTATGGACAG-3'
Protein context (NP_001894.2, residues 875-895): QDETQTKIKR[Ala885Val]SQKKHVNPVQ

ClinVar aggregate classification (germline): Uncertain significance (1 of 4 stars; one submission).

Submission:

Labcorp Genetics (formerly Invitae), Labcorp
Classification: Uncertain significance. Last evaluated: 2018-04-25. Review status: criteria provided, single submitter. Criteria: Invitae Variant Classification Sherloc (09022015). Collection method: clinical testing. Allele origin: germline.
Comment: Algorithms developed to predict the effect of missense changes on protein structure and function do not agree on the potential impact of this missense change (SIFT: "Deleterious"; PolyPhen-2: "Benign"; Align-GVGD: "Class C0"). Algorithms developed to predict the effect of sequence changes on RNA splicing suggest that this variant may create or strengthen a splice site, but this prediction has not been confirmed by published transcriptional studies. In summary, the available evidence is currently insufficient to determine the role of this variant in disease. Therefore, it has been classified as a Variant of Uncertain Significance. This variant has not been reported in the literature in individuals with CTNNA1-related disease. This variant is not present in population databases (ExAC no frequency). This sequence change replaces alanine with valine at codon 885 of the CTNNA1 protein (p.Ala885Val). The alanine residue is highly conserved and there is a small physicochemical difference between alanine and valine.